The following is an entry in ClinVar:

ClinVar aggregate classification (germline): Uncertain significance. Review status: criteria provided, multiple submitters, no conflicts (2 of 4 stars). 6 submissions from 6 submitters: Uncertain significance (5). 1 of the submissions does not count toward it. Last evaluated 2026-02-11.

Conditions:
Hereditary cancer-predisposing syndrome. Also called: Hereditary Cancer Syndrome; Hereditary neoplastic syndrome; Tumor predisposition; Neoplastic Syndromes, Hereditary. Identifiers: Orphanet 140162, MedGen C0027672, MeSH D009386, MONDO:0015356.
Bloom syndrome (BLM). Also called: Bloom-Torre-Machacek syndrome. Identifiers: Orphanet 125, MedGen C0005859, MONDO:0008876, OMIM 210900.

Allele frequency attached by ClinVar (database versions not stated): ExAC 0.00002; gnomAD exomes 0.00002; gnomAD 0.00005; TOPMed 0.00005.

Submissions (6):

St. Jude Molecular Pathology, St. Jude Children's Research Hospital
Classification: Uncertain significance for Bloom syndrome. Last evaluated: 2026-02-11. Review status: criteria provided, single submitter. Criteria: St. Jude Assertion Criteria 2020. Collection method: clinical testing. Allele origin: germline.
Comment: The BLM c.1261G>A p.(Ala421Thr) missense change has a maximum subpopulation frequency of 0.0047% in gnomAD v2.1.1. The in silico tool REVEL predicts a benign effect on protein function, but to our knowledge this prediction has not been confirmed by functional studies. To our knowledge, this variant has not been reported in individuals with Bloom syndrome. In summary, the evidence currently available is insufficient to determine the clinical significance of this variant. It has therefore been classified as of uncertain significance.

Labcorp Genetics (formerly Invitae), Labcorp
Classification: Uncertain significance for Bloom syndrome. Last evaluated: 2025-01-07. Review status: criteria provided, single submitter. Criteria: Invitae Variant Classification Sherloc (09022015). Collection method: clinical testing. Allele origin: germline.
Comment: This sequence change replaces alanine, which is neutral and non-polar, with threonine, which is neutral and polar, at codon 421 of the BLM protein (p.Ala421Thr). This variant is present in population databases (rs587779879, gnomAD 0.005%). This variant has not been reported in the literature in individuals affected with BLM-related conditions. ClinVar contains an entry for this variant (Variation ID: 127474). Invitae Evidence Modeling of protein sequence and biophysical properties (such as structural, functional, and spatial information, amino acid conservation, physicochemical variation, residue mobility, and thermodynamic stability) indicates that this missense variant is not expected to disrupt BLM protein function with a negative predictive value of 80%. In summary, the available evidence is currently insufficient to determine the role of this variant in disease. Therefore, it has been classified as a Variant of Uncertain Significance.

Quest Diagnostics Nichols Institute San Juan Capistrano
Classification: Uncertain significance. Last evaluated: 2023-09-16. Review status: criteria provided, single submitter. Criteria: Quest Diagnostics criteria. Collection method: clinical testing. Allele origin: unknown.
Comment: The variant has not been reported in the published literature. The frequency of this variant in the general population, 0.000047 (6/128778 chromosomes), is uninformative in assessment of its pathogenicity. Analysis of this variant using bioinformatics tools for the prediction of the effect of amino acid changes on protein structure and function yielded predictions that this variant is benign. Based on the available information, we are unable to determine the clinical significance of this variant.

Ambry Genetics
Classification: Uncertain significance for Hereditary cancer-predisposing syndrome. Last evaluated: 2023-08-25. Review status: criteria provided, single submitter. Criteria: Ambry Variant Classification Scheme 2023. Collection method: clinical testing. Allele origin: germline.
Comment: The p.A421T variant (also known as c.1261G>A), located in coding exon 6 of the BLM gene, results from a G to A substitution at nucleotide position 1261. The alanine at codon 421 is replaced by threonine, an amino acid with similar properties. This amino acid position is poorly conserved in available vertebrate species. In addition, this alteration is predicted to be tolerated by in silico analysis. Since supporting evidence is limited at this time, the clinical significance of this alteration remains unclear.

GeneDx
Classification: Uncertain significance. Last evaluated: 2021-12-27. Review status: criteria provided, single submitter. Criteria: GeneDx Variant Classification Process June 2021. Collection method: clinical testing. Allele origin: germline. Affected: yes.
Comment: In silico analysis supports that this missense variant does not alter protein structure/function; Has not been previously published as pathogenic or benign to our knowledge

Natera, Inc.
Classification: Uncertain significance for Bloom syndrome. Last evaluated: 2019-02-22. Review status: no assertion criteria provided. Collection method: clinical testing. Allele origin: germline. Not counted in ClinVar's aggregate classification.

NM_000057.4(BLM):c.1261G>A (p.Ala421Thr)

Gene: BLM (BLM RecQ like helicase; plus strand). Cytogenetic location: 15q26.1.
Variant type: single nucleotide variant.
Coding change: c.1261G>A on transcript NM_000057.4 (MANE Select); coding-DNA position 1261, G replaced by A.
Protein change: p.Ala421Thr; replaces alanine 421 with threonine.
Molecular consequence: missense variant.
Genome position (GRCh38, 1-based): chr15:90,760,634, G>A. VCF-style: chr15-90760634-G-A. GRCh37 (hg19) VCF-style: chr15-91303864-G-A.
Other names: p.A421T:GCC>ACC; c.1261G>A (LRG_20t1); c.1261G>A, p.Ala421Thr (NM_001287246.2, NM_001287247.2); c.136G>A, p.Ala46Thr (NM_001287248.2); short protein forms A421T, A46T.
Identifiers: ClinVar variation 127474 (VCV000127474.21), dbSNP rs587779879, ClinGen allele CA287055.